The following is an entry in ClinVar:

NM_012330.4(KAT6B):c.1400A>C (p.Lys467Thr)

Gene: KAT6B (lysine acetyltransferase 6B; plus strand). Cytogenetic location: 10q22.2.
Variant type: single nucleotide variant.
Coding change: c.1400A>C on transcript NM_012330.4 (MANE Select); coding-DNA position 1400, A replaced by C.
Protein change: p.Lys467Thr; replaces lysine 467 with threonine.
Molecular consequence: missense variant. On other transcripts: intron variant (11).
Genome position (GRCh38, 1-based): chr10:74,975,737, A>C. VCF-style: chr10-74975737-A-C. GRCh37 (hg19) VCF-style: chr10-76735495-A-C.
Other names: c.1117+283A>C (NM_001370139.1, NM_001370140.1, NM_001370141.1 and 3 more transcripts); c.846+5962A>C (NM_001370133.1); c.193-3487A>C (NM_001370134.1); c.929-1579A>C (NM_001370143.1, NM_001370144.1); c.193-13282A>C (NM_001370135.1); c.1400A>C, p.Lys467Thr (NM_001256468.2, NM_001370136.1, NM_001370137.1 and 1 more transcripts); short protein forms K467T.
Identifiers: ClinVar variation 1313303 (VCV001313303.3), dbSNP rs2133723621, ClinGen allele CA377286232.

ClinVar aggregate classification (germline): Uncertain significance. Review status: criteria provided, multiple submitters, no conflicts (2 of 4 stars). 2 submissions from 2 submitters: Uncertain significance (2). Last evaluated 2022-07-19.

Conditions:
Genitopatellar syndrome (GTPTS). Also called: Genitopatellar syndrome (GPS); ABSENT PATELLAE, SCROTAL HYPOPLASIA, RENAL ANOMALIES, FACIAL DYSMORPHISM, AND MENTAL RETARDATION. Identifiers: Orphanet 85201, MedGen C1853566, MONDO:0011640, OMIM 606170.
Blepharophimosis - intellectual disability syndrome, SBBYS type (SBBYSS). Also called: Say-Barber-Biesecker variant of Ohdo syndrome (SBBYSS); Say-Barber-Biesecker-Young-Simpson syndrome; Say-Barber-Biesecker-Young-Simpson variant of Ohdo Syndrome; Young Simpson syndrome; Mental retardation unusual facies hypothyroidism; Say-Barber-Biesecker Variant of Ohdo Syndrome. Identifiers: Orphanet 3047, MedGen C1863557, MONDO:0011365, OMIM 603736.

Submissions (2):

Department of Pathology and Laboratory Medicine, Sinai Health System
Classification: Uncertain significance for Blepharophimosis - intellectual disability syndrome, SBBYS type; Genitopatellar syndrome. Last evaluated: 2022-07-19. Review status: criteria provided, single submitter. Criteria: ACMG Guidelines, 2015. Collection method: research. Allele origin: germline.

GeneDx
Classification: Uncertain significance. Last evaluated: 2020-10-08. Review status: criteria provided, single submitter. Criteria: GeneDx Variant Classification Process June 2021. Collection method: clinical testing. Allele origin: germline. Affected: yes.
Comment: Not observed in large population cohorts (Lek et al., 2016); In silico analysis supports that this missense variant has a deleterious effect on protein structure/function; Has not been previously published as pathogenic or benign to our knowledge